The following is an entry in ClinVar:

NC_000003.11:g.(?_97439105)_(97510809_?)dup

Genes: ARL6 (ARF like GTPase 6; plus strand), EPHA6 (EPH receptor A6; plus strand). Cytogenetic location: 3q11.2.
Variant type: Duplication.
Identifiers: ClinVar variation 1056383 (VCV001056383.5).

ClinVar aggregate classification (germline): Uncertain significance (1 of 4 stars; one submission).

Conditions:
Bardet-Biedl syndrome 3 (BBS3). Identifiers: Orphanet 110, MedGen C1859564, MONDO:0010832, OMIM 600151.
Retinitis pigmentosa 55 (RP55). Identifiers: Orphanet 791, MedGen C3150808, MONDO:0013312, OMIM 613575.

Submission:

Labcorp Genetics (formerly Invitae), Labcorp
Classification: Uncertain significance for Retinitis pigmentosa 55; Bardet-Biedl syndrome 3. Last evaluated: 2020-01-31. Review status: criteria provided, single submitter. Criteria: Invitae Variant Classification Sherloc (09022015). Collection method: clinical testing. Allele origin: germline.
Comment: This variant results in a copy number gain of the genomic region encompassing exons 1-8 of the ARL6 gene, which includes the initiator codon. The 5' end of this event is unknown as it extends beyond the assayed region for this gene and therefore may encompass additional genes. The 3' boundary is likely confined to intron 8 of the ARL6 gene. As the precise location of this event is unknown, it may be in tandem or it may be located elsewhere in the genome. In summary, the available evidence is currently insufficient to determine the role of this variant in disease. Therefore, it has been classified as a Variant of Uncertain Significance. This variant has not been reported in the literature in individuals with ARL6-related conditions.